The following is an entry in ClinVar:

NM_016335.6(PRODH):c.1190T>G (p.Met397Arg)

Gene: PRODH (proline dehydrogenase 1; minus strand). Cytogenetic location: 22q11.21.
Variant type: single nucleotide variant.
Coding change: c.1190T>G on transcript NM_016335.6 (MANE Select); coding-DNA position 1190, T replaced by G.
Protein change: p.Met397Arg; replaces methionine 397 with arginine.
Molecular consequence: missense variant.
Genome position (GRCh38, 1-based): chr22:18,919,512, A>C on the plus strand (T>G on the coding strand, the complement: PRODH is on the minus strand). VCF-style: chr22-18919512-A-C. GRCh37 (hg19) VCF-style: chr22-18907025-A-C.
Other names: c.866T>G, p.Met289Arg (NM_001195226.2, NM_001368250.2); short protein forms M397R, M289R.
Identifiers: ClinVar variation 1980422 (VCV001980422.4), dbSNP rs1470354551, ClinGen allele CA410643793.

ClinVar aggregate classification (germline): Uncertain significance (1 of 4 stars; one submission).

Conditions:
Proline dehydrogenase deficiency (HYRPRO1). Also called: Hyperprolinemia type 1; PROLINE OXIDASE DEFICIENCY. Identifiers: Orphanet 419, MedGen C0268529, MONDO:0009400, OMIM 239500.

Submission:

Labcorp Genetics (formerly Invitae), Labcorp
Classification: Uncertain significance for Proline dehydrogenase deficiency. Last evaluated: 2023-04-05. Review status: criteria provided, single submitter. Criteria: Invitae Variant Classification Sherloc (09022015). Collection method: clinical testing. Allele origin: germline.
Comment: Advanced modeling of protein sequence and biophysical properties (such as structural, functional, and spatial information, amino acid conservation, physicochemical variation, residue mobility, and thermodynamic stability) performed at Invitae indicates that this missense variant is expected to disrupt PRODH protein function. ClinVar contains an entry for this variant (Variation ID: 1980422). This variant has not been reported in the literature in individuals affected with PRODH-related conditions. This variant is present in population databases (no rsID available, gnomAD 0.009%). This sequence change replaces methionine, which is neutral and non-polar, with arginine, which is basic and polar, at codon 397 of the PRODH protein (p.Met397Arg). In summary, the available evidence is currently insufficient to determine the role of this variant in disease. Therefore, it has been classified as a Variant of Uncertain Significance.